The following is an entry in ClinVar:

NM_019032.6(ADAMTSL4):c.1660G>A (p.Val554Ile)

Genes: ADAMTSL4 (ADAMTS like 4; plus strand), ADAMTSL4-AS2 (ADAMTSL4 antisense RNA 2; minus strand). Cytogenetic location: 1q21.2.
Variant type: single nucleotide variant.
Coding change: c.1660G>A on transcript NM_019032.6 (MANE Select); coding-DNA position 1660, G replaced by A.
Protein change: p.Val554Ile; replaces valine 554 with isoleucine.
Molecular consequence: missense variant.
Genome position (GRCh38, 1-based): chr1:150,556,704, G>A. VCF-style: chr1-150556704-G-A. GRCh37 (hg19) VCF-style: chr1-150529180-G-A.
Other names: c.1729G>A, p.Val577Ile (NM_001288607.2, NM_001288608.2); c.1660G>A, p.Val554Ile (NM_001378596.1, NM_025008.5); short protein forms V577I, V554I.
Identifiers: ClinVar variation 1987584 (VCV001987584.1), dbSNP rs769048034, ClinGen allele CA1078354.

ClinVar aggregate classification (germline): Uncertain significance (1 of 4 stars; one submission).

Allele frequency attached by ClinVar (database versions not stated): ExAC 0.00001; gnomAD exomes 0.00001; TOPMed 0.00002.
gnomAD v4.1: 11 of 1,614,046 alleles (0.00068%); highest among the groups gnomAD compares: East Asian, 0.0022%; no homozygotes.

Submission:

Labcorp Genetics (formerly Invitae), Labcorp
Classification: Uncertain significance. Last evaluated: 2022-07-06. Review status: criteria provided, single submitter. Criteria: Invitae Variant Classification Sherloc (09022015). Collection method: clinical testing. Allele origin: germline.
Comment: This sequence change replaces valine, which is neutral and non-polar, with isoleucine, which is neutral and non-polar, at codon 554 of the ADAMTSL4 protein (p.Val554Ile). This variant is not present in population databases (gnomAD no frequency). This variant has not been reported in the literature in individuals affected with ADAMTSL4-related conditions. Algorithms developed to predict the effect of missense changes on protein structure and function output the following: SIFT: "Deleterious"; PolyPhen-2: "Benign"; Align-GVGD: "Class C25". The isoleucine amino acid residue is found in multiple mammalian species, which suggests that this missense change does not adversely affect protein function. In summary, the available evidence is currently insufficient to determine the role of this variant in disease. Therefore, it has been classified as a Variant of Uncertain Significance.